The following is an entry in ClinVar:

ClinVar aggregate classification (germline): Uncertain significance (1 of 4 stars; one submission).

Conditions:
Rubinstein-Taybi syndrome due to EP300 haploinsufficiency. Also called: EP300-Related Rubinstein-Taybi Syndrome; RUBINSTEIN-TAYBI SYNDROME 2. Identifiers: Orphanet 353284, Orphanet 783, MedGen C3150941, MONDO:0013364, OMIM 613684.

Allele frequency attached by ClinVar (database versions not stated): gnomAD exomes below 0.00001; TOPMed 0.00001.
gnomAD v4.1: 1 of 1,614,130 alleles (0.000062%); highest among the groups gnomAD compares: Non-Finnish European, 0.000085%; no homozygotes.

Submission:

Labcorp Genetics (formerly Invitae), Labcorp
Classification: Uncertain significance for Rubinstein-Taybi syndrome due to EP300 haploinsufficiency. Last evaluated: 2023-06-20. Review status: criteria provided, single submitter. Criteria: Invitae Variant Classification Sherloc (09022015). Collection method: clinical testing. Allele origin: germline.
Comment: In summary, the available evidence is currently insufficient to determine the role of this variant in disease. Therefore, it has been classified as a Variant of Uncertain Significance. Advanced modeling of protein sequence and biophysical properties (such as structural, functional, and spatial information, amino acid conservation, physicochemical variation, residue mobility, and thermodynamic stability) performed at Invitae indicates that this missense variant is not expected to disrupt EP300 protein function. This variant has not been reported in the literature in individuals affected with EP300-related conditions. This variant is not present in population databases (gnomAD no frequency). This sequence change replaces glycine, which is neutral and non-polar, with aspartic acid, which is acidic and polar, at codon 2044 of the EP300 protein (p.Gly2044Asp).

NM_001429.4(EP300):c.6131G>A (p.Gly2044Asp)

Gene: EP300 (EP300 lysine acetyltransferase; plus strand). Cytogenetic location: 22q13.2.
Variant type: single nucleotide variant.
Coding change: c.6131G>A on transcript NM_001429.4 (MANE Select); coding-DNA position 6131, G replaced by A.
Protein change: p.Gly2044Asp; replaces glycine 2044 with aspartic acid.
Molecular consequence: missense variant.
Genome position (GRCh38, 1-based): chr22:41,177,842, G>A. VCF-style: chr22-41177842-G-A. GRCh37 (hg19) VCF-style: chr22-41573846-G-A.
Other names: c.6053G>A, p.Gly2018Asp (NM_001362843.2); short protein forms G2018D, G2044D.
Identifiers: ClinVar variation 2788762 (VCV002788762.3), dbSNP rs1457697396, ClinGen allele CA411680667.